The following is an entry in ClinVar:

NM_001382567.1(STIM1):c.1779G>A (p.Gly593=)

Gene: STIM1 (stromal interaction molecule 1; plus strand). Cytogenetic location: 11p15.4.
Variant type: single nucleotide variant.
Coding change: c.1779G>A on transcript NM_001382567.1 (MANE Select); coding-DNA position 1779, G replaced by A.
Protein change: p.Gly593=; no amino-acid change (glycine 593 retained).
Molecular consequence: synonymous variant. On other transcripts: 3 prime UTR variant (4), non-coding transcript variant (3).
Genome position (GRCh38, 1-based): chr11:4,091,426, G>A. VCF-style: chr11-4091426-G-A. GRCh37 (hg19) VCF-style: chr11-4112656-G-A.
Other names: c.2004G>A, p.Gly668= (NM_001277961.3); c.*100G>A (NM_001277962.2, NM_001382578.1, NM_001382579.1 and 1 more transcripts); c.1782G>A, p.Gly594= (NM_001382566.1); c.1707G>A, p.Gly569= (NM_001382568.1); c.1551G>A, p.Gly517= (NM_001382569.1); c.1458G>A, p.Gly486= (NM_001382570.1); c.1206G>A, p.Gly402= (NM_001382571.1); c.1464G>A, p.Gly488= (NM_001382575.1, NM_001382576.1, NM_001382577.1); and 2 more.
Identifiers: ClinVar variation 2418096 (VCV002418096.10), dbSNP rs1161943430, ClinGen allele CA472869623.

ClinVar aggregate classification (germline): Likely benign. Review status: criteria provided, single submitter (1 of 4 stars). 2 submissions from 2 submitters: Likely benign (1). 1 of the submissions does not count toward it. Last evaluated 2025-12-21.

Conditions:
STIM1-related disorder. Also called: STIM1-related condition.
Myopathy with tubular aggregates (TAM). Also called: Tubular Aggregate Myopathy. Identifiers: Orphanet 2593, MedGen C0410207, MONDO:0008051.
Combined immunodeficiency due to STIM1 deficiency. Also called: STIM1 DEFICIENCY; IMMUNODEFICIENCY 10. Identifiers: Orphanet 169090, Orphanet 317430, MedGen C2748557, MONDO:0013008, OMIM 612783.
Stormorken syndrome (STRMK). Also called: THROMBOCYTOPATHY, ASPLENIA, AND MIOSIS. Identifiers: Orphanet 3204, MedGen C1861451, MONDO:0008497, OMIM 185070.

Submissions (2):

Labcorp Genetics (formerly Invitae), Labcorp
Classification: Likely benign for Myopathy with tubular aggregates; Combined immunodeficiency due to STIM1 deficiency; Stormorken syndrome. Last evaluated: 2025-12-21. Review status: criteria provided, single submitter. Criteria: Invitae Variant Classification Sherloc (09022015). Collection method: clinical testing. Allele origin: germline.

PreventionGenetics, part of Exact Sciences
Classification: Likely benign for STIM1-related condition. Last evaluated: 2020-07-25. Review status: no assertion criteria provided. Collection method: clinical testing. Allele origin: germline. Not counted in ClinVar's aggregate classification.
Comment: This variant is classified as likely benign based on ACMG/AMP sequence variant interpretation guidelines (Richards et al. 2015 PMID: 25741868, with internal and published modifications).